The following is an entry in ClinVar:

ClinVar aggregate classification (germline): Likely pathogenic (1 of 4 stars; one submission).

Conditions:
Neutropenia, severe congenital, 1, autosomal dominant. Identifiers: MedGen C1859966, MONDO:0042490, OMIM 202700.
Cyclical neutropenia. Also called: Cyclic hematopoiesis; Cyclic Neutropenia. Identifiers: Orphanet 2686, MedGen C0221023, MONDO:0008090, OMIM 162800, HP:0040289. Disease mechanism: loss of function.

Submission:

Labcorp Genetics (formerly Invitae), Labcorp
Classification: Likely pathogenic for Neutropenia, severe congenital, 1, autosomal dominant; Cyclical neutropenia. Last evaluated: 2024-01-02. Review status: criteria provided, single submitter. Criteria: Invitae Variant Classification Sherloc (09022015). Collection method: clinical testing. Allele origin: germline.
Comment: This sequence change creates a premature translational stop signal (p.Asp201Alafs*11) in the ELANE gene. While this is not anticipated to result in nonsense mediated decay, it is expected to disrupt the last 67 amino acid(s) of the ELANE protein. This variant is not present in population databases (gnomAD no frequency). This variant has not been reported in the literature in individuals affected with ELANE-related conditions. ClinVar contains an entry for this variant (Variation ID: 1017714). Experimental studies and prediction algorithms are not available or were not evaluated, and the functional significance of this variant is currently unknown. This variant is located in a region of the ELANE protein where a significant number of ELANE nonsense and -1/+2 frameshift mutations have been reported in association with autosomal dominant ELANE-related neutropenia (PMID: 33513358, 23463630, 34340247). In summary, the currently available evidence indicates that the variant is pathogenic, but additional data are needed to prove that conclusively. Therefore, this variant has been classified as Likely Pathogenic.

Literature cited by the submitters: PubMed 33513358; PubMed 23463630; PubMed 34340247.

NM_001972.4(ELANE):c.602del (p.Asp201fs)

Gene: ELANE (elastase, neutrophil expressed; plus strand). Cytogenetic location: 19p13.3.
Variant type: Deletion.
Coding change: c.602del on transcript NM_001972.4 (MANE Select); coding-DNA position 602, one base deleted (A; older notation c.602delA).
Protein change: p.Asp201fs; shifts the reading frame from aspartic acid 201.
Molecular consequence: frameshift variant.
Genome position (GRCh38, 1-based): chr19:855,962, A deleted. VCF-style (leftmost placement, unchanged base first): chr19-855961-GA-G. GRCh37 (hg19) VCF-style: chr19-855961-GA-G.
Other names: short protein forms D201fs.
Identifiers: ClinVar variation 1017714 (VCV001017714.9), dbSNP rs2035673569, ClinGen allele CA1139770400.
Genomic context (GRCh38, chr19:855,961, plus strand): 5'-GCGGGCAGGTGGGCAGGGCCTCGCAGTCCAGCTTCCCCACCTTGTCTGCCTCCACAGGGG[GA>G]CTCCGGCAGCCCCTTGGTCTGCAACGGGCTAATCCACGGAATTGCCTCCTTCGTCCGGGG-3'